The following is an entry in ClinVar:

ClinVar aggregate classification (germline): Uncertain significance (1 of 4 stars; one submission).

Conditions:
Generalized dominant dystrophic epidermolysis bullosa (DDEB). Also called: Dominant DEB (DDEB); DDEB, generalized; DDEB-gen; DYSTROPHIC EPIDERMOLYSIS BULLOSA, AUTOSOMAL DOMINANT; Epidermolysis bullosa dystrophica, autosomal dominant. Identifiers: Orphanet 231568, MedGen C0432322, MONDO:0007549, OMIM 131750.

Submission:

Human Genetics Bochum, Ruhr University Bochum
Classification: Uncertain significance for Generalized dominant dystrophic epidermolysis bullosa. Last evaluated: 2026-01-20. Review status: criteria provided, single submitter. Criteria: ACMG Guidelines, 2015. Collection method: clinical testing. Allele origin: germline. Affected: yes.
Comment: ACMG criteria used to clasify this variant: PP3_STR, PM2_SUP

NM_000094.4(COL7A1):c.5773-9T>G

Gene: COL7A1 (collagen type VII alpha 1 chain; minus strand). Cytogenetic location: 3p21.31.
Variant type: single nucleotide variant.
Coding change: c.5773-9T>G on transcript NM_000094.4 (MANE Select); 9 bases into the intron before coding-DNA position 5773, T replaced by G.
Molecular consequence: intron variant.
Genome position (GRCh38, 1-based): chr3:48,576,305, A>C on the plus strand (T>G on the coding strand, the complement: COL7A1 is on the minus strand). VCF-style: chr3-48576305-A-C. GRCh37 (hg19) VCF-style: chr3-48613738-A-C.
Identifiers: ClinVar variation 4876786 (VCV004876786.1).